The following is an entry in ClinVar:

ClinVar aggregate classification (germline): Likely pathogenic (1 of 4 stars; one submission).

Conditions:
Fibrochondrogenesis 1 (FBCG1). Identifiers: Orphanet 2021, MedGen C3278138, MONDO:0009226, OMIM 228520.

Submission:

3billion
Classification: Likely pathogenic for Fibrochondrogenesis 1. Last evaluated: 2024-03-05. Review status: criteria provided, single submitter. Criteria: ACMG Guidelines, 2015. Collection method: clinical testing. Allele origin: germline. Affected: yes.
Comment: The variant is not observed in the gnomAD v2.1.1 dataset. Predicted Consequence/Location: Canonical splice site: predicted to alter splicing and result in a loss or disruption of normal protein function. Multiple pathogenic loss-of-function variants are reported downstream of the variant. Therefore, this variant is classified as Likely pathogenic according to the recommendation of ACMG/AMP guideline.

NM_001854.4(COL11A1):c.2655+1G>A

Gene: COL11A1 (collagen type XI alpha 1 chain; minus strand). Cytogenetic location: 1p21.1.
Variant type: single nucleotide variant.
Coding change: c.2655+1G>A on transcript NM_001854.4 (MANE Select); the canonical splice donor site of the intron after coding-DNA position 2655, G replaced by A.
Molecular consequence: splice donor variant.
Genome position (GRCh38, 1-based): chr1:102,979,059, C>T on the plus strand (G>A on the coding strand, the complement: COL11A1 is on the minus strand). VCF-style: chr1-102979059-C-T. GRCh37 (hg19) VCF-style: chr1-103444615-C-T.
Other names: c.2538+1G>A (NM_001190709.2); c.2691+1G>A (NM_080629.3); c.2307+1G>A (NM_080630.4).
Identifiers: ClinVar variation 3775265 (VCV003775265.1).